The following is an entry in ClinVar:

ClinVar aggregate classification (germline): Uncertain significance. Review status: criteria provided, multiple submitters, no conflicts (2 of 4 stars). 3 submissions from 3 submitters: Uncertain significance (3). Last evaluated 2026-02-09.

Conditions:
Nijmegen breakage syndrome-like disorder (NBSLD). Also called: MICROCEPHALY AND SPONTANEOUS CHROMOSOME INSTABILITY WITHOUT IMMUNODEFICIENCY; NBS-LIKE DISORDER; RAD50 DEFICIENCY. Identifiers: Orphanet 240760, MedGen C2751318, MONDO:0013118, OMIM 613078.
Hereditary cancer-predisposing syndrome. Also called: Neoplastic Syndromes, Hereditary; Tumor predisposition; Hereditary neoplastic syndrome; Hereditary Cancer Syndrome. Identifiers: Orphanet 140162, MedGen C0027672, MeSH D009386, MONDO:0015356.

Allele frequency attached by ClinVar (database versions not stated): gnomAD exomes below 0.00001; gnomAD 0.00001.
gnomAD v4.1: 4 of 1,610,978 alleles (0.00025%); highest among the groups gnomAD compares: African/African-American, 0.0013%; no homozygotes.

Submissions (3):

Ambry Genetics
Classification: Uncertain significance for Hereditary cancer-predisposing syndrome. Last evaluated: 2026-02-09. Review status: criteria provided, single submitter. Criteria: Ambry Variant Classification Scheme 2023. Collection method: clinical testing. Allele origin: germline.
Comment: The p.I432V variant (also known as c.1294A>G), located in coding exon 9 of the RAD50 gene, results from an A to G substitution at nucleotide position 1294. The isoleucine at codon 432 is replaced by valine, an amino acid with highly similar properties. This amino acid position is not well conserved in available vertebrate species. In addition, this alteration is predicted to be tolerated by in silico analysis. Based on the available evidence, the clinical significance of this variant remains unclear.

Labcorp Genetics (formerly Invitae), Labcorp
Classification: Uncertain significance for Hereditary cancer-predisposing syndrome. Last evaluated: 2024-11-21. Review status: criteria provided, single submitter. Criteria: Invitae Variant Classification Sherloc (09022015). Collection method: clinical testing. Allele origin: germline.
Comment: This sequence change replaces isoleucine, which is neutral and non-polar, with valine, which is neutral and non-polar, at codon 432 of the RAD50 protein (p.Ile432Val). This variant is not present in population databases (gnomAD no frequency). This variant has not been reported in the literature in individuals affected with RAD50-related conditions. ClinVar contains an entry for this variant (Variation ID: 408409). Invitae Evidence Modeling of protein sequence and biophysical properties (such as structural, functional, and spatial information, amino acid conservation, physicochemical variation, residue mobility, and thermodynamic stability) indicates that this missense variant is not expected to disrupt RAD50 protein function with a negative predictive value of 80%. In summary, the available evidence is currently insufficient to determine the role of this variant in disease. Therefore, it has been classified as a Variant of Uncertain Significance.

Fulgent Genetics
Classification: Uncertain significance for Nijmegen breakage syndrome-like disorder. Last evaluated: 2024-03-07. Review status: criteria provided, single submitter. Criteria: ACMG Guidelines, 2015. Collection method: clinical testing. Allele origin: germline.

NM_005732.4(RAD50):c.1294A>G (p.Ile432Val)

Gene: RAD50 (RAD50 double strand break repair protein; plus strand). Cytogenetic location: 5q31.1.
Variant type: single nucleotide variant.
Coding change: c.1294A>G on transcript NM_005732.4 (MANE Select); coding-DNA position 1294, A replaced by G.
Protein change: p.Ile432Val; replaces isoleucine 432 with valine.
Molecular consequence: missense variant.
Genome position (GRCh38, 1-based): chr5:132,589,679, A>G. VCF-style: chr5-132589679-A-G. GRCh37 (hg19) VCF-style: chr5-131925371-A-G.
Other names: short protein forms I432V.
Identifiers: ClinVar variation 408409 (VCV000408409.17), dbSNP rs587782322, ClinGen allele CA16611731.